The following is an entry in ClinVar:

NM_000548.5(TSC2):c.1716+5G>C

Gene: TSC2 (TSC complex subunit 2; plus strand). Cytogenetic location: 16p13.3.
Variant type: single nucleotide variant.
Coding change: c.1716+5G>C on transcript NM_000548.5 (MANE Select); 5 bases into the intron after coding-DNA position 1716, G replaced by C.
Molecular consequence: intron variant.
Genome position (GRCh38, 1-based): chr16:2,065,640, G>C. VCF-style: chr16-2065640-G-C. GRCh37 (hg19) VCF-style: chr16-2115641-G-C.
Other names: c.1716+5G>C (NM_001114382.3, NM_021055.3, NM_001370405.1 and 3 more transcripts); c.1605+5G>C (NM_001318827.2); c.1116+5G>C (NM_001318831.2); c.1569+5G>C (NM_001318829.2); c.1749+5G>C (NM_001318832.2).
Identifiers: ClinVar variation 664388 (VCV000664388.10), dbSNP rs1596317714, ClinGen allele CA915946242.

ClinVar aggregate classification (germline): Pathogenic (1 of 4 stars; one submission).

Conditions:
Tuberous sclerosis 2 (TSC2). Identifiers: Orphanet 805, MedGen C1860707, MONDO:0013199, OMIM 613254.

Submission:

Labcorp Genetics (formerly Invitae), Labcorp
Classification: Pathogenic for Tuberous sclerosis 2. Last evaluated: 2019-02-07. Review status: criteria provided, single submitter. Criteria: Invitae Variant Classification Sherloc (09022015). Collection method: clinical testing. Allele origin: germline.
Comment: For these reasons, this variant has been classified as Pathogenic. Nucleotide substitutions within the consensus splice site are a relatively common cause of aberrant splicing (PMID: 17576681, 9536098). Algorithms developed to predict the effect of sequence changes on RNA splicing suggest that this variant may disrupt the consensus splice site, but this prediction has not been confirmed by published transcriptional studies. This variant is not present in population databases (ExAC no frequency). This sequence change falls in intron 16 of the TSC2 gene. It does not directly change the encoded amino acid sequence of the TSC2 protein, but it affects a nucleotide within the consensus splice site of the intron.

Literature cited by the submitters: PubMed 17576681; PubMed 9536098.